The following is an entry in ClinVar:

NM_000083.3(CLCN1):c.2365-1G>A

Gene: CLCN1 (chloride voltage-gated channel 1; plus strand). Cytogenetic location: 7q34.
Variant type: single nucleotide variant.
Coding change: c.2365-1G>A on transcript NM_000083.3 (MANE Select); the canonical splice acceptor site of the intron before coding-DNA position 2365, G replaced by A.
Molecular consequence: splice acceptor variant.
Genome position (GRCh38, 1-based): chr7:143,346,910, G>A. VCF-style: chr7-143346910-G-A. GRCh37 (hg19) VCF-style: chr7-143044003-G-A.
Identifiers: ClinVar variation 2171649 (VCV002171649.4), dbSNP rs1803265151, ClinGen allele CA369652358.

ClinVar aggregate classification (germline): Likely pathogenic (1 of 4 stars; one submission).

Conditions:
Congenital myotonia, autosomal dominant form (THD). Also called: THOMSEN DISEASE; Myotonia congenita autosomal dominant. Identifiers: Orphanet 614, MedGen C2936781, MONDO:0008055, OMIM 160800.
Congenital myotonia, autosomal recessive form. Also called: BECKER DISEASE; myotonia congenita, autosomal recessive; Becker Generalized Myotonia. Identifiers: Orphanet 614, MedGen C0751360, MONDO:0009715, OMIM 255700.

Allele frequency attached by ClinVar (database versions not stated): TOPMed below 0.00001.

Submission:

Labcorp Genetics (formerly Invitae), Labcorp
Classification: Likely pathogenic for Congenital myotonia, autosomal recessive form; Congenital myotonia, autosomal dominant form. Last evaluated: 2021-12-25. Review status: criteria provided, single submitter. Criteria: Invitae Variant Classification Sherloc (09022015). Collection method: clinical testing. Allele origin: germline.
Comment: In summary, the currently available evidence indicates that the variant is pathogenic, but additional data are needed to prove that conclusively. Therefore, this variant has been classified as Likely Pathogenic. Algorithms developed to predict the effect of sequence changes on RNA splicing suggest that this variant may disrupt the consensus splice site. Disruption of this splice site has been observed in individual(s) with autosomal recessive myotonia congenita (PMID: 31130284). This variant is not present in population databases (gnomAD no frequency). This sequence change affects an acceptor splice site in intron 19 of the CLCN1 gene. It is expected to disrupt RNA splicing. Variants that disrupt the donor or acceptor splice site typically lead to a loss of protein function (PMID: 16199547), and loss-of-function variants in CLCN1 are known to be pathogenic (PMID: 17932099, 22094069, 23739125).

Literature cited by the submitters: PubMed 31130284; PubMed 16199547; PubMed 17932099; PubMed 22094069; PubMed 23739125.